The following is an entry in ClinVar:

ClinVar aggregate classification (germline): Pathogenic (1 of 4 stars; one submission).

Submission:

GeneDx
Classification: Pathogenic. Last evaluated: 2026-01-31. Review status: criteria provided, single submitter. Criteria: GeneDx Variant Classification Process June 2021. Collection method: clinical testing. Allele origin: germline. Affected: yes.
Comment: In silico analysis supports that this missense variant has a deleterious effect on protein structure/function; Not observed at significant frequency in large population cohorts (gnomAD); This variant is associated with the following publications: (PMID: 24794443, 28648147, 33004838, 36454652)

NM_006565.4(CTCF):c.1129C>T (p.Arg377Cys)

Gene: CTCF (CCCTC-binding factor; plus strand). Cytogenetic location: 16q22.1.
Variant type: single nucleotide variant.
Coding change: c.1129C>T on transcript NM_006565.4 (MANE Select); coding-DNA position 1129, C replaced by T.
Protein change: p.Arg377Cys; replaces arginine 377 with cysteine.
Molecular consequence: missense variant.
Genome position (GRCh38, 1-based): chr16:67,620,739, C>T. VCF-style: chr16-67620739-C-T. GRCh37 (hg19) VCF-style: chr16-67654642-C-T.
Other names: c.145C>T, p.Arg49Cys (NM_001191022.2); c.1129C>T, p.Arg377Cys (NM_001363916.2); short protein forms R377C, R49C.
Identifiers: ClinVar variation 1214237 (VCV001214237.4), dbSNP rs1555535157, ClinGen allele CA396314787.
Genomic context (GRCh38, chr16:67,620,739, plus strand): 5'-GTTGTTTTCGTATTTCAGGTCAGCAAATTAAAACGTCACATTCGCTCTCATACTGGAGAG[C>T]GTCCGTTTCAGTGCAGTTTGTGCAGTTATGCCAGCAGGGACACATACAAGCTGAAAAGGC-3'
Protein context (NP_006556.1, residues 367-387): KRHIRSHTGE[Arg377Cys]PFQCSLCSYA